The following is an entry in ClinVar:

NM_001130987.2(DYSF):c.1610G>C (p.Gly537Ala)

Gene: DYSF (dysferlin; plus strand). Cytogenetic location: 2p13.2.
Variant type: single nucleotide variant.
Coding change: c.1610G>C on transcript NM_001130987.2 (MANE Select); coding-DNA position 1610, G replaced by C.
Protein change: p.Gly537Ala; replaces glycine 537 with alanine.
Molecular consequence: missense variant.
Genome position (GRCh38, 1-based): chr2:71,551,074, G>C. VCF-style: chr2-71551074-G-C. GRCh37 (hg19) VCF-style: chr2-71778204-G-C.
Other names: c.1559G>C, p.Gly520Ala (NM_001130455.2, NM_001130983.2); c.1514G>C, p.Gly505Ala (NM_001130976.2, NM_001130977.2); c.1556G>C, p.Gly519Ala (NM_001130978.2, NM_003494.4); c.1649G>C, p.Gly550Ala (NM_001130979.2); c.1607G>C, p.Gly536Ala (NM_001130980.2, NM_001130981.2); c.1652G>C, p.Gly551Ala (NM_001130982.2); c.1517G>C, p.Gly506Ala (NM_001130984.2, NM_001130986.2); c.1610G>C, p.Gly537Ala (NM_001130985.2); short protein forms G505A, G506A, G519A, G520A, G536A, G537A, G550A, G551A.
Identifiers: ClinVar variation 4854710 (VCV004854710.1).

ClinVar aggregate classification (germline): Uncertain significance (1 of 4 stars; one submission).

Conditions:
Autosomal recessive limb-girdle muscular dystrophy type 2B (LGMDR2). Also called: MUSCULAR DYSTROPHY, LIMB-GIRDLE, AUTOSOMAL RECESSIVE 2; MUSCULAR DYSTROPHY, LIMB-GIRDLE, TYPE 3; Limb-Girdle Muscular Dystrophy Type 2B (LGMD2B); Limb-girdle muscular dystrophy, type 2B. Identifiers: Orphanet 268, MedGen C1850889, MONDO:0009676, OMIM 253601.

Submission:

3billion
Classification: Uncertain significance for Autosomal recessive limb-girdle muscular dystrophy type 2B. Last evaluated: 2026-01-16. Review status: criteria provided, single submitter. Criteria: ACMG Guidelines, 2015. Collection method: clinical testing. Allele origin: germline. Affected: yes.
Comment: The variant is not observed in the gnomAD v4.1.0 dataset. Predicted Consequence/Location: Missense variant In silico tool predictions suggest damaging effect of the variant on gene or gene product [REVEL: 0.83 (>=0.6, sensitivity 0.68 and specificity 0.92); 3Cnet: 0.99 (> 0.75, sensitivity 0.96 and precision 0.92)]. Different missense changes at the same codon (p.Gly537Arg, p.Gly537Trp) have been reported as pathogenic/likely pathogenic with strong evidence (ClinVar ID: VCV000006679, VCV002819412 /PMID: 17070050, 30107846, 33610434). Therefore, this variant is classified as VUS according to the recommendation of ACMG/AMP guideline.

Literature cited by the submitters: PubMed 17070050.